The following is an entry in ClinVar:

ClinVar aggregate classification (germline): Conflicting classifications of pathogenicity. Review status: criteria provided, conflicting classifications (1 of 4 stars). 2 submissions from 2 submitters: Likely pathogenic (1); Uncertain significance (1). Last evaluated 2024-07-12.

Conditions:
Intellectual disability. Also called: Intellectual developmental disorder; Intellectual functioning disability; intellectual disabilities. Identifiers: MedGen C3714756, MeSH D008607, MONDO:0001071, HP:0001249.

Submissions (2):

GeneDx
Classification: Uncertain significance. Last evaluated: 2024-07-12. Review status: criteria provided, single submitter. Criteria: GeneDx Variant Classification Process June 2021. Collection method: clinical testing. Allele origin: germline. Affected: yes.
Comment: Reported previously as a de novo variant in a patient a developmental disorder; however, no further clinical information was provided and the patient also harbored a de novo variant in a separate gene (PMID: 33057194); Not observed at significant frequency in large population cohorts (gnomAD); In silico analysis supports that this missense variant has a deleterious effect on protein structure/function; This variant is associated with the following publications: (PMID: 22190371, 33057194, 35982159)

Raymond Lab, University of Cambridge
Classification: Likely pathogenic for Intellectual disability. Last evaluated: 2019-02-13. Review status: criteria provided, single submitter. Criteria: ACMG Guidelines, 2015. Collection method: research. Allele origin: unknown. Affected: yes. Observed: 1 variant allele.

NM_006516.4(SLC2A1):c.107C>T (p.Pro36Leu)

Gene: SLC2A1 (solute carrier family 2 member 1; minus strand). Cytogenetic location: 1p34.2.
Variant type: single nucleotide variant.
Coding change: c.107C>T on transcript NM_006516.4 (MANE Select); coding-DNA position 107, C replaced by T.
Protein change: p.Pro36Leu; replaces proline 36 with leucine.
Molecular consequence: missense variant.
Genome position (GRCh38, 1-based): chr1:42,943,233, G>A on the plus strand (C>T on the coding strand, the complement: SLC2A1 is on the minus strand). VCF-style: chr1-42943233-G-A. GRCh37 (hg19) VCF-style: chr1-43408904-G-A.
Other names: short protein forms P36L.
Identifiers: ClinVar variation 625202 (VCV000625202.3), dbSNP rs1570600997, ClinGen allele CA339964740.